The following is an entry in ClinVar:

NM_015041.3(CLUAP1):c.100C>T (p.Leu34Phe)

Gene: CLUAP1 (clusterin associated protein 1; plus strand). Cytogenetic location: 16p13.3.
Variant type: single nucleotide variant.
Coding change: c.100C>T on transcript NM_015041.3 (MANE Select); coding-DNA position 100, C replaced by T.
Protein change: p.Leu34Phe; replaces leucine 34 with phenylalanine.
Molecular consequence: missense variant.
Genome position (GRCh38, 1-based): chr16:3,504,797, C>T. VCF-style: chr16-3504797-C-T. GRCh37 (hg19) VCF-style: chr16-3554797-C-T.
Other names: c.100C>T, p.Leu34Phe (NM_001330454.2); short protein forms L34F.
Identifiers: ClinVar variation 4776303 (VCV004776303.1).

ClinVar aggregate classification (germline): Uncertain significance (1 of 4 stars; one submission).

gnomAD v4.1: 6 of 1,612,198 alleles (0.00037%); highest among the groups gnomAD compares: Non-Finnish European, 0.00051%; no homozygotes.

Submission:

Labcorp Genetics (formerly Invitae), Labcorp
Classification: Uncertain significance. Last evaluated: 2025-10-21. Review status: criteria provided, single submitter. Criteria: Invitae Variant Classification Sherloc (09022015). Collection method: clinical testing. Allele origin: germline.
Comment: This sequence change replaces leucine, which is neutral and non-polar, with phenylalanine, which is neutral and non-polar, at codon 34 of the CLUAP1 protein (p.Leu34Phe). This variant is present in population databases (no rsID available, gnomAD 0.0009%). This variant has not been reported in the literature in individuals affected with CLUAP1-related conditions. Invitae Evidence Modeling of protein sequence and biophysical properties (such as structural, functional, and spatial information, amino acid conservation, physicochemical variation, residue mobility, and thermodynamic stability) indicates that this missense variant is expected to disrupt CLUAP1 protein function with a positive predictive value of 80%. In summary, the available evidence is currently insufficient to determine the role of this variant in disease. Therefore, it has been classified as a Variant of Uncertain Significance.